The following is an entry in ClinVar:

NM_001369.3(DNAH5):c.11114del (p.Pro3705fs)

Gene: DNAH5 (dynein axonemal heavy chain 5; minus strand). Cytogenetic location: 5p15.2.
Variant type: Deletion.
Coding change: c.11114del on transcript NM_001369.3 (MANE Select); coding-DNA position 11114, one base deleted (C; older notation c.11114delC).
Protein change: p.Pro3705fs; shifts the reading frame from proline 3705.
Molecular consequence: frameshift variant.
Genome position (GRCh38, 1-based): chr5:13,751,175, G deleted on the plus strand (C on the coding strand, the reverse complement: DNAH5 is on the minus strand); the first of 4 consecutive G bases (chr5:13,751,175-13,751,178); deleting any one gives the same sequence. VCF-style (leftmost placement, unchanged base first): chr5-13751174-AG-A. GRCh37 (hg19) VCF-style: chr5-13751283-AG-A.
Other names: short protein forms P3705fs.
Identifiers: ClinVar variation 2702249 (VCV002702249.3), dbSNP rs2546608447, ClinGen allele CA2673270187.

ClinVar aggregate classification (germline): Pathogenic (1 of 4 stars; one submission).

Conditions:
Primary ciliary dyskinesia. Also called: Ciliary dyskinesia. Identifiers: Orphanet 244, MedGen C0008780, MONDO:0016575, HP:0012265.

Submission:

Labcorp Genetics (formerly Invitae), Labcorp
Classification: Pathogenic for Primary ciliary dyskinesia. Last evaluated: 2023-12-11. Review status: criteria provided, single submitter. Criteria: Invitae Variant Classification Sherloc (09022015). Collection method: clinical testing. Allele origin: germline.
Comment: This sequence change creates a premature translational stop signal (p.Pro3705Leufs*3) in the DNAH5 gene. It is expected to result in an absent or disrupted protein product. Loss-of-function variants in DNAH5 are known to be pathogenic (PMID: 11788826, 16627867). This variant is not present in population databases (gnomAD no frequency). This variant has not been reported in the literature in individuals affected with DNAH5-related conditions. For these reasons, this variant has been classified as Pathogenic.

Literature cited by the submitters: PubMed 11788826; PubMed 16627867.